The following is an entry in ClinVar:

ClinVar aggregate classification (germline): Uncertain significance (1 of 4 stars; one submission).

Conditions:
Multiple congenital anomalies-hypotonia-seizures syndrome 2 (MCAHS2). Also called: EPILEPTIC ENCEPHALOPATHY, EARLY INFANTILE, 20; GLYCOSYLPHOSPHATIDYLINOSITOL BIOSYNTHESIS DEFECT 4. Identifiers: Orphanet 300496, MedGen C3275508, MONDO:0010466, OMIM 300868.

Submission:

Labcorp Genetics (formerly Invitae), Labcorp
Classification: Uncertain significance for Multiple congenital anomalies-hypotonia-seizures syndrome 2. Last evaluated: 2024-11-05. Review status: criteria provided, single submitter. Criteria: Invitae Variant Classification Sherloc (09022015). Collection method: clinical testing. Allele origin: germline.
Comment: This sequence change replaces lysine, which is basic and polar, with arginine, which is basic and polar, at codon 88 of the PIGA protein (p.Lys88Arg). This variant is not present in population databases (gnomAD no frequency). This variant has not been reported in the literature in individuals affected with PIGA-related conditions. Invitae Evidence Modeling of protein sequence and biophysical properties (such as structural, functional, and spatial information, amino acid conservation, physicochemical variation, residue mobility, and thermodynamic stability) has been performed for this missense variant. However, the output from this modeling did not meet the statistical confidence thresholds required to predict the impact of this variant on PIGA protein function. In summary, the available evidence is currently insufficient to determine the role of this variant in disease. Therefore, it has been classified as a Variant of Uncertain Significance.

NM_002641.4(PIGA):c.263A>G (p.Lys88Arg)

Gene: PIGA (phosphatidylinositol glycan anchor biosynthesis class A; minus strand). Cytogenetic location: Xp22.2.
Variant type: single nucleotide variant.
Coding change: c.263A>G on transcript NM_002641.4 (MANE Select); coding-DNA position 263, A replaced by G.
Protein change: p.Lys88Arg; replaces lysine 88 with arginine.
Molecular consequence: missense variant. On other transcripts: non-coding transcript variant (1), intron variant (1).
Genome position (GRCh38, 1-based): chrX:15,331,668, T>C on the plus strand (A>G on the coding strand, the complement: PIGA is on the minus strand). VCF-style: chrX-15331668-T-C. GRCh37 (hg19) VCF-style: chrX-15349790-T-C.
Other names: c.13+3833A>G (NM_020473.3); short protein forms K88R.
Identifiers: ClinVar variation 3655525 (VCV003655525.2).